The following is an entry in ClinVar:

ClinVar aggregate classification (germline): Uncertain significance (1 of 4 stars; one submission).

Conditions:
Autosomal recessive ataxia, Beauce type. Also called: SYNE1-Related Autosomal Recessive Cerebellar Ataxia; Spinocerebellar ataxia, autosomal recessive 8; ATAXIA, RECESSIVE, OF BEAUCE; SYNE1 Deficiency. Identifiers: Orphanet 88644, MedGen C1853116, MONDO:0012549, OMIM 610743.
Emery-Dreifuss muscular dystrophy 4, autosomal dominant (EDMD4). Also called: EMERY-DREIFUSS MUSCULAR DYSTROPHY 4 WITH VARIABLE FEATURES. Identifiers: Orphanet 261, MedGen C2751807, MONDO:0013071, OMIM 612998.

Submission:

Labcorp Genetics (formerly Invitae), Labcorp
Classification: Uncertain significance for Emery-Dreifuss muscular dystrophy 4, autosomal dominant; Autosomal recessive ataxia, Beauce type. Last evaluated: 2025-10-09. Review status: criteria provided, single submitter. Criteria: Invitae Variant Classification Sherloc (09022015). Collection method: clinical testing. Allele origin: germline.
Comment: This sequence change replaces glutamic acid, which is acidic and polar, with valine, which is neutral and non-polar, at codon 7966 of the SYNE1 protein (p.Glu7966Val). This variant is not present in population databases (gnomAD no frequency). This variant has not been reported in the literature in individuals affected with SYNE1-related conditions. An algorithm developed to predict the effect of missense changes on protein structure and function (PolyPhen-2) suggests that this variant is likely to be disruptive. Algorithms developed to predict the effect of sequence changes on RNA splicing suggest that this variant may create or strengthen a splice site. In summary, the available evidence is currently insufficient to determine the role of this variant in disease. Therefore, it has been classified as a Variant of Uncertain Significance.

NM_182961.4(SYNE1):c.24110A>T (p.Glu8037Val)

Gene: SYNE1 (spectrin repeat containing nuclear envelope protein 1; minus strand). Cytogenetic location: 6q25.2.
Variant type: single nucleotide variant.
Coding change: c.24110A>T on transcript NM_182961.4 (MANE Select); coding-DNA position 24110, A replaced by T.
Protein change: p.Glu8037Val; replaces glutamic acid 8037 with valine.
Molecular consequence: missense variant.
Genome position (GRCh38, 1-based): chr6:152,154,911, T>A on the plus strand (A>T on the coding strand, the complement: SYNE1 is on the minus strand). VCF-style: chr6-152154911-T-A. GRCh37 (hg19) VCF-style: chr6-152476046-T-A.
Other names: c.716A>T, p.Glu239Val (NM_001347701.2); c.575A>T, p.Glu192Val (NM_001347702.2); c.23897A>T, p.Glu7966Val (NM_033071.5); short protein forms E239V, E192V, E7966V, E8037V.
Identifiers: ClinVar variation 4786363 (VCV004786363.1).